The following is an entry in ClinVar:

ClinVar aggregate classification (germline): Uncertain significance. Review status: criteria provided, multiple submitters, no conflicts (2 of 4 stars). 3 submissions from 3 submitters: Uncertain significance (2). 1 of the submissions does not count toward it. Last evaluated 2025-05-01.

Conditions:
Autosomal recessive inherited pseudoxanthoma elasticum (PXE). Identifiers: Orphanet 758, MedGen CN032334, MONDO:0009925, OMIM 264800.

Allele frequency attached by ClinVar (database versions not stated): TOPMed 0.00001; gnomAD 0.00002; gnomAD exomes 0.00003 and 0.00005.

Submissions (3):

CeGaT Center for Human Genetics Tuebingen
Classification: Uncertain significance. Last evaluated: 2025-05-01. Review status: criteria provided, single submitter. Criteria: CeGaT Center For Human Genetics Tuebingen Variant Classification Criteria Version 2. Collection method: clinical testing. Allele origin: germline. Affected: yes. Observed: 1 variant allele.
Comment: ABCC6: PM2, PM3

Blueprint Genetics
Classification: Uncertain significance. Last evaluated: 2024-09-09. Review status: criteria provided, single submitter. Criteria: ACMG Guidelines, 2015. Collection method: clinical testing. Allele origin: germline.

PXE International
Classification: Likely pathogenic for Autosomal recessive inherited pseudoxanthoma elasticum. Last evaluated: 2021-03-01. Review status: no assertion criteria provided. Collection method: research. Allele origin: germline. Inheritance: Autosomal recessive inheritance. Affected: yes. Not counted in ClinVar's aggregate classification.

Literature cited by the submitters: PubMed 32873932 (cited by PXE International); PubMed 16086317 (cited by PXE International).

NM_001171.6(ABCC6):c.386G>A (p.Gly129Glu)

Gene: ABCC6 (ATP binding cassette subfamily C member 6; minus strand). Cytogenetic location: 16p13.11.
Variant type: single nucleotide variant.
Coding change: c.386G>A on transcript NM_001171.6 (MANE Select); coding-DNA position 386, G replaced by A.
Protein change: p.Gly129Glu; replaces glycine 129 with glutamic acid.
Molecular consequence: missense variant. On other transcripts: non-coding transcript variant (1).
Genome position (GRCh38, 1-based): chr16:16,219,642, C>T on the plus strand (G>A on the coding strand, the complement: ABCC6 is on the minus strand). VCF-style: chr16-16219642-C-T. GRCh37 (hg19) VCF-style: chr16-16313499-C-T.
Other names: c.44G>A, p.Gly15Glu (NM_001351800.1); short protein forms G129E, G15E.
Identifiers: ClinVar variation 433204 (VCV000433204.12), dbSNP rs72653753, ClinGen allele CA278671489.